The following is an entry in ClinVar:

NM_001018115.3(FANCD2):c.3749_3777+789del

Genes: FANCD2 (FA complementation group D2; plus strand), FANCD2OS (FANCD2 opposite strand; minus strand). Cytogenetic location: 3p25.3.
Variant type: Deletion.
Coding change: c.3749_3777+789del on transcript NM_001018115.3 (MANE Select); coding-DNA position 3749 through 789 bases into the intron after coding-DNA position 3777, 818 bases deleted.
Molecular consequence: splice donor variant. On other transcripts: intron variant (1).
Genome position (GRCh38, 1-based): chr3:10,090,357-10,091,174, 818 bases deleted. GRCh37 (hg19): chr3:10,132,041-10,132,858.
Other names: c.3749_3777+789del (NM_001319984.2, NM_033084.6, NM_001374254.1); c.3638_3666+789del (NM_001374253.1); c.*44-9641_*44-8824del (NM_173472.2).
Identifiers: ClinVar variation 1467582 (VCV001467582.8), dbSNP rs2125081509, ClinGen allele CA2573136074.

ClinVar aggregate classification (germline): Likely pathogenic (1 of 4 stars; one submission).

Conditions:
Fanconi anemia (FA). Also called: Fanconi's anemia. Identifiers: Orphanet 84, MedGen C0015625, MeSH D005199, MONDO:0019391.

Submission:

Labcorp Genetics (formerly Invitae), Labcorp
Classification: Likely pathogenic for Fanconi anemia. Last evaluated: 2024-06-05. Review status: criteria provided, single submitter. Criteria: Invitae Variant Classification Sherloc (09022015). Collection method: clinical testing. Allele origin: germline.
Comment: This variant results in the deletion of part of exon 37 (c.3749_3777+789del) of the FANCD2 gene. It is expected to disrupt RNA splicing. Variants that disrupt the donor or acceptor splice site typically lead to a loss of protein function (PMID: 16199547), and loss-of-function variants in FANCD2 are known to be pathogenic (PMID: 17436244). This variant is not present in population databases (gnomAD no frequency). This variant has not been reported in the literature in individuals affected with FANCD2-related conditions. ClinVar contains an entry for this variant (Variation ID: 1467582). In summary, the currently available evidence indicates that the variant is pathogenic, but additional data are needed to prove that conclusively. Therefore, this variant has been classified as Likely Pathogenic.

Literature cited by the submitters: PubMed 16199547; PubMed 17436244.